The following is an entry in ClinVar:

ClinVar aggregate classification (germline): Likely benign. Review status: criteria provided, multiple submitters, no conflicts (2 of 4 stars). 4 submissions from 4 submitters: Likely benign (3). 1 of the submissions does not count toward it. Last evaluated 2025-12-19.

Conditions:
Combined oxidative phosphorylation defect type 27. Also called: Combined oxidative phosphorylation deficiency 27. Identifiers: Orphanet 477774, MedGen C5567608, MONDO:0014728, OMIM 616672.
CARS2-related disorder. Also called: CARS2-related condition.

Allele frequency attached by ClinVar (database versions not stated): gnomAD exomes 0.00012; ExAC 0.00014; ESP Exome Variant Server 0.00015; 1000 Genomes Project 30x 0.00016; 1000 Genomes Project 0.00020; gnomAD 0.00024 and 0.00025; TOPMed 0.00029.

Submissions (4):

Labcorp Genetics (formerly Invitae), Labcorp
Classification: Likely benign for Combined oxidative phosphorylation defect type 27. Last evaluated: 2025-12-19. Review status: criteria provided, single submitter. Criteria: Invitae Variant Classification Sherloc (09022015). Collection method: clinical testing. Allele origin: germline.

CeGaT Center for Human Genetics Tuebingen
Classification: Likely benign. Last evaluated: 2023-02-01. Review status: criteria provided, single submitter. Criteria: CeGaT Center For Human Genetics Tuebingen Variant Classification Criteria Version 2. Collection method: clinical testing. Allele origin: germline. Affected: yes. Observed: 1 variant allele.
Comment: CARS2: BP4, BP7

GeneDx
Classification: Likely benign. Last evaluated: 2020-06-05. Review status: criteria provided, single submitter. Criteria: GeneDx Variant Classification Process June 2021. Collection method: clinical testing. Allele origin: germline. Affected: yes.

PreventionGenetics, part of Exact Sciences
Classification: Likely benign for CARS2-related condition. Last evaluated: 2019-12-09. Review status: no assertion criteria provided. Collection method: clinical testing. Allele origin: germline. Not counted in ClinVar's aggregate classification.
Comment: This variant is classified as likely benign based on ACMG/AMP sequence variant interpretation guidelines (Richards et al. 2015 PMID: 25741868, with internal and published modifications).

NM_024537.4(CARS2):c.1074C>T (p.Ser358=)

Gene: CARS2 (cysteinyl-tRNA synthetase 2, mitochondrial; minus strand). Cytogenetic location: 13q34.
Variant type: single nucleotide variant.
Coding change: c.1074C>T on transcript NM_024537.4 (MANE Select); coding-DNA position 1074, C replaced by T.
Protein change: p.Ser358=; no amino-acid change (serine 358 retained).
Molecular consequence: synonymous variant. On other transcripts: non-coding transcript variant (2).
Genome position (GRCh38, 1-based): chr13:110,647,220, G>A on the plus strand (C>T on the coding strand, the complement: CARS2 is on the minus strand). VCF-style: chr13-110647220-G-A. GRCh37 (hg19) VCF-style: chr13-111299567-G-A.
Other names: c.288C>T, p.Ser96= (NM_001352252.2).
Identifiers: ClinVar variation 390085 (VCV000390085.37), dbSNP rs143638615, ClinGen allele CA7051914.